The following is an entry in ClinVar:

NM_004369.4(COL6A3):c.*2C>T

Genes: COL6A3 (collagen type VI alpha 3 chain; minus strand), LOC126806573 (CDK7 strongly-dependent group 2 enhancer GRCh37_chr2:238233151-238234350; plus strand). Cytogenetic location: 2q37.3.
Variant type: single nucleotide variant.
Coding change: c.*2C>T on transcript NM_004369.4 (MANE Select); 2 bases downstream of the stop codon, C replaced by T.
Molecular consequence: 3 prime UTR variant.
Genome position (GRCh38, 1-based): chr2:237,324,772, G>A on the plus strand (C>T on the coding strand, the complement: COL6A3 is on the minus strand). VCF-style: chr2-237324772-G-A. GRCh37 (hg19) VCF-style: chr2-238233415-G-A.
Other names: c.*2C>T (NM_057166.5, NM_057167.4).
Identifiers: ClinVar variation 4853582 (VCV004853582.1).
Genomic context (GRCh38, chr2:237,324,772, plus strand): 5'-GACAAGTTGGCGATGGCTGACTCCTTCTTCTTCAAGAGGTATATGATGTTGGCCACCCAC[G>A]CTTAGGTTCCCATCACACTGATGACTCCGGGTTTGGCGAGCACTGAGCGTCGAGAGAGGG-3'

ClinVar aggregate classification (germline): Uncertain significance (1 of 4 stars; one submission).

gnomAD v4.1: 57 of 1,613,676 alleles (0.0035%); highest among the groups gnomAD compares: Admixed American, 0.005%; no homozygotes.

Submission:

Women's Health and Genetics/Laboratory Corporation of America, LabCorp
Classification: Uncertain significance. Last evaluated: 2026-05-04. Review status: criteria provided, single submitter. Criteria: LabCorp Variant Classification Summary - May 2015. Collection method: clinical testing. Allele origin: germline.
Comment: Variant summary: COL6A3 c.*2C>T is located in the untranslated mRNA region downstream of the termination codon. The variant allele was found at a frequency of 2.4e-05 in 249238 control chromosomes. The available data on variant occurrences in the general population are insufficient to allow any conclusion about variant significance. To our knowledge, no occurrence of c.*2C>T in individuals affected with COL6A3-related conditions and no experimental evidence demonstrating its impact on protein function have been reported. No submitters have cited clinical-significance assessments for this variant to ClinVar. Based on the evidence outlined above, the variant was classified as uncertain significance.